The following is an entry in ClinVar:

ClinVar aggregate classification (germline): Uncertain significance (1 of 4 stars; one submission).

Conditions:
Arthrogryposis, distal, type 1A. Also called: ARTHROGRYPOSIS MULTIPLEX CONGENITA, DISTAL, TYPE I. Identifiers: Orphanet 1146, MedGen C6022280, MONDO:0007157, OMIM 108120.

Submission:

Labcorp Genetics (formerly Invitae), Labcorp
Classification: Uncertain significance for Arthrogryposis, distal, type 1A. Last evaluated: 2025-01-06. Review status: criteria provided, single submitter. Criteria: Invitae Variant Classification Sherloc (09022015). Collection method: clinical testing. Allele origin: germline.
Comment: This sequence change replaces alanine, which is neutral and non-polar, with asparagine, which is neutral and polar, at codon 116 of the TPM2 protein (p.Ala116Asn). Information on the frequency of this variant in the gnomAD database is not available, as this variant may be reported differently in the database. This variant has not been reported in the literature in individuals affected with TPM2-related conditions. An algorithm developed to predict the effect of missense changes on protein structure and function (PolyPhen-2) suggests that this variant is likely to be disruptive. In summary, the available evidence is currently insufficient to determine the role of this variant in disease. Therefore, it has been classified as a Variant of Uncertain Significance.

NM_003289.4(TPM2):c.346_347delinsAA (p.Ala116Asn)

Gene: TPM2 (tropomyosin 2; minus strand). Cytogenetic location: 9p13.3.
Variant type: Indel.
Coding change: c.346_347delinsAA on transcript NM_003289.4 (MANE Select); coding-DNA positions 346 to 347, GC replaced by AA.
Protein change: p.Ala116Asn; replaces alanine 116 with asparagine.
Molecular consequence: missense variant.
Genome position (GRCh38, 1-based): chr9:35,685,674-35,685,675, GC replaced by TT on the plus strand (GC replaced by AA on the coding strand, the reverse complement: TPM2 is on the minus strand). VCF-style: chr9-35685674-GC-TT. GRCh37 (hg19) VCF-style: chr9-35685671-GC-TT.
Other names: c.346_347delinsAA, p.Ala116Asn (NM_001301226.2, NM_001301227.2, NM_213674.1); short protein forms A116N.
Identifiers: ClinVar variation 3728591 (VCV003728591.2).
Genomic context (GRCh38, chr9:35,685,674, plus strand): 5'-TCCCGGACCATCCTCCCCGAGGCCCCTGACCACCTCTCGCTCTCATCAGCCGCCTTCTCG[GC>TT]CTCCTCCAGCTTCTGCAGGGCTGTAGCCAGGCGCTCCTGGGCCCGGTCCAGCTCCTCCTC-3'
Protein context (NP_003280.2, residues 106-126): LATALQKLEE[Ala116Asn]EKAADESERG